The following is an entry in ClinVar:

ClinVar aggregate classification (germline): Pathogenic. Review status: criteria provided, multiple submitters, no conflicts (2 of 4 stars). 3 submissions from 3 submitters: Pathogenic (3). Last evaluated 2023-05-01.

Conditions:
Hereditary cancer-predisposing syndrome. Also called: Tumor predisposition; Neoplastic Syndromes, Hereditary; Hereditary Cancer Syndrome; Hereditary neoplastic syndrome. Identifiers: Orphanet 140162, MedGen C0027672, MeSH D009386, MONDO:0015356.
Familial adenomatous polyposis 1 (FAP1). Also called: POLYPOSIS, ADENOMATOUS INTESTINAL; FAMILIAL ADENOMATOUS POLYPOSIS 1, ATTENUATED. Identifiers: MedGen C2713442, MONDO:0021056, OMIM 175100. Disease mechanism: loss of function.

Submissions (3):

Myriad Genetics, Inc.
Classification: Pathogenic for Familial adenomatous polyposis 1. Last evaluated: 2023-05-01. Review status: criteria provided, single submitter. Criteria: Myriad Autosomal Dominant, Autosomal Recessive and X-Linked Classification Criteria (2023). Collection method: clinical testing. Allele origin: unknown.
Comment: This variant is considered pathogenic. This variant creates a frameshift predicted to result in premature protein truncation.

Labcorp Genetics (formerly Invitae), Labcorp
Classification: Pathogenic for Familial adenomatous polyposis 1. Last evaluated: 2021-06-06. Review status: criteria provided, single submitter. Criteria: Invitae Variant Classification Sherloc (09022015). Collection method: clinical testing. Allele origin: germline.
Comment: This sequence change creates a premature translational stop signal (p.Asp491Metfs*8) in the APC gene. It is expected to result in an absent or disrupted protein product. Loss-of-function variants in APC are known to be pathogenic (PMID: 17963004, 20685668). This variant is not present in population databases (ExAC no frequency). This variant has not been reported in the literature in individuals with APC-related conditions. For these reasons, this variant has been classified as Pathogenic.

Ambry Genetics
Classification: Pathogenic for Hereditary cancer-predisposing syndrome. Last evaluated: 2015-09-27. Review status: criteria provided, single submitter. Criteria: Ambry Variant Classification Scheme 2023. Collection method: clinical testing. Allele origin: germline.
Comment: The c.1469_1470dupAT pathogenic mutation, located in coding exon 11 of the APC gene, results from a duplication of AT at nucleotide position 1469, causing a translational frameshift with a predicted alternate stop codon. Since frameshifts are typically deleterious in nature, this alteration is interpreted as a disease-causing mutation (ACMG Recommendations for Standards for Interpretation and Reporting of Sequence Variations. Revision 2007. Genet Med. 2008;10:294).

Literature cited by the submitters: PubMed 17963004 (cited by Labcorp Genetics (formerly Invitae), Labcorp); PubMed 20685668 (cited by Labcorp Genetics (formerly Invitae), Labcorp).

NM_000038.6(APC):c.1469_1470dup (p.Asp491fs)

Gene: APC (APC regulator of Wnt signaling pathway; plus strand). Cytogenetic location: 5q22.2.
Variant type: Duplication.
Coding change: c.1469_1470dup on transcript NM_000038.6 (MANE Select); coding-DNA positions 1469 to 1470, 2 bases duplicated (AT; older notation c.1469_1470dupAT).
Protein change: p.Asp491fs; shifts the reading frame from aspartic acid 491.
Molecular consequence: frameshift variant.
Genome position (GRCh38, 1-based): chr5:112,827,168-112,827,169, AT duplicated. VCF-style (leftmost placement, unchanged base first): chr5-112827167-A-AAT. GRCh37 (hg19) VCF-style: chr5-112162864-A-AAT.
Other names: c.1469_1470dup, p.Asp491fs (NM_001127510.3, NM_001354895.2); c.1415_1416dup, p.Asp473fs (NM_001127511.3); c.1523_1524dup, p.Asp509fs (NM_001354896.2); c.1499_1500dup, p.Asp501fs (NM_001354897.2); c.1394_1395dup, p.Asp466fs (NM_001354898.2); c.1385_1386dup, p.Asp463fs (NM_001354899.2); c.1346_1347dup, p.Asp450fs (NM_001354900.2); c.1292_1293dup, p.Asp432fs (NM_001354901.2); and 5 more; short protein forms D400fs, D432fs, D491fs, D509fs, D208fs, D463fs, D473fs, D501fs.
Identifiers: ClinVar variation 1452115 (VCV001452115.9), dbSNP rs2149809361, ClinGen allele CA2573138839.